The following is an entry in ClinVar:

NM_018127.7(ELAC2):c.1858G>A (p.Ala620Thr)

Gene: ELAC2 (elaC ribonuclease Z 2; minus strand). Cytogenetic location: 17p12.
Variant type: single nucleotide variant.
Coding change: c.1858G>A on transcript NM_018127.7 (MANE Select); coding-DNA position 1858, G replaced by A.
Protein change: p.Ala620Thr; replaces alanine 620 with threonine.
Molecular consequence: missense variant.
Genome position (GRCh38, 1-based): chr17:12,995,013, C>T on the plus strand (G>A on the coding strand, the complement: ELAC2 is on the minus strand). VCF-style: chr17-12995013-C-T. GRCh37 (hg19) VCF-style: chr17-12898330-C-T.
Other names: c.1738G>A, p.Ala580Thr (NM_001165962.2); c.1855G>A, p.Ala619Thr (NM_173717.2); short protein forms A620T, A619T, A580T.
Identifiers: ClinVar variation 1424025 (VCV001424025.4), dbSNP rs960361937, ClinGen allele CA288076693.

ClinVar aggregate classification (germline): Uncertain significance (1 of 4 stars; one submission).

Conditions:
Combined oxidative phosphorylation defect type 17. Also called: Combined oxidative phosphorylation deficiency 17. Identifiers: Orphanet 369913, MedGen C3809526, MONDO:0014190, OMIM 615440.

Allele frequency attached by ClinVar (database versions not stated): gnomAD exomes below 0.00001 and 0.00001; TOPMed 0.00002; gnomAD 0.00003.
gnomAD v4.1: 9 of 1,614,104 alleles (0.00056%); highest among the groups gnomAD compares: African/African-American, 0.0093%; no homozygotes.

Submission:

Labcorp Genetics (formerly Invitae), Labcorp
Classification: Uncertain significance for Combined oxidative phosphorylation defect type 17. Last evaluated: 2024-12-24. Review status: criteria provided, single submitter. Criteria: Invitae Variant Classification Sherloc (09022015). Collection method: clinical testing. Allele origin: germline.
Comment: This sequence change replaces alanine, which is neutral and non-polar, with threonine, which is neutral and polar, at codon 620 of the ELAC2 protein (p.Ala620Thr). This variant is present in population databases (no rsID available, gnomAD 0.01%). This variant has not been reported in the literature in individuals affected with ELAC2-related conditions. ClinVar contains an entry for this variant (Variation ID: 1424025). An algorithm developed to predict the effect of missense changes on protein structure and function outputs the following: PolyPhen-2: "Benign". The threonine amino acid residue is found in multiple mammalian species, which suggests that this missense change does not adversely affect protein function. In summary, the available evidence is currently insufficient to determine the role of this variant in disease. Therefore, it has been classified as a Variant of Uncertain Significance.